The following is an entry in ClinVar:

ClinVar aggregate classification (germline): Conflicting classifications of pathogenicity. Review status: criteria provided, conflicting classifications (1 of 4 stars). 2 submissions from 2 submitters: Likely pathogenic (1); Uncertain significance (1). Last evaluated 2020-01-01.

Conditions:
Retinal dystrophy. Also called: Inherited retinal dystrophy. Identifiers: Orphanet 71862, MedGen C0854723, MeSH D058499, MONDO:0019118, HP:0000556.

Submissions (2):

Institute of Human Genetics, Univ. Regensburg, Univ. Regensburg
Classification: Likely pathogenic for Retinal dystrophy. Last evaluated: 2020-01-01. Review status: criteria provided, single submitter. Criteria: ACMG Guidelines, 2015. Collection method: clinical testing. Allele origin: germline. Affected: yes.

Labcorp Genetics (formerly Invitae), Labcorp
Classification: Uncertain significance. Last evaluated: 2018-05-09. Review status: criteria provided, single submitter. Criteria: Invitae Variant Classification Sherloc (09022015). Collection method: clinical testing. Allele origin: germline.
Comment: In summary, the available evidence is currently insufficient to determine the role of this variant in disease. Therefore, it has been classified as a Variant of Uncertain Significance. Algorithms developed to predict the effect of missense changes on protein structure and function (SIFT, PolyPhen-2, Align-GVGD) all suggest that this variant is likely to be disruptive, but these predictions have not been confirmed by published functional studies and their clinical significance is uncertain. This variant has been observed in two related individuals with exudative vitreoretinopathy (Invitae). This variant is not present in population databases (ExAC no frequency). This sequence change replaces leucine with proline at codon 239 of the FZD4 protein (p.Leu239Pro). The leucine residue is highly conserved and there is a moderate physicochemical difference between leucine and proline.

Literature cited by the submitters: PubMed 31237656 (cited by Institute of Human Genetics, Univ. Regensburg, Univ. Regensburg); PubMed 3539449 (cited by Institute of Human Genetics, Univ. Regensburg, Univ. Regensburg).

NM_012193.4(FZD4):c.716T>C (p.Leu239Pro)

Genes: FZD4 (frizzled class receptor 4; minus strand), PRSS23 (serine protease 23; plus strand). Cytogenetic location: 11q14.2.
Variant type: single nucleotide variant.
Coding change: c.716T>C on transcript NM_012193.4 (MANE Select); coding-DNA position 716, T replaced by C.
Protein change: p.Leu239Pro; replaces leucine 239 with proline.
Molecular consequence: missense variant. On other transcripts: non-coding transcript variant (2).
Genome position (GRCh38, 1-based): chr11:86,952,040, A>G on the plus strand (T>C on the coding strand, the complement: FZD4 is on the minus strand). VCF-style: chr11-86952040-A-G. GRCh37 (hg19) VCF-style: chr11-86663082-A-G.
Other names: short protein forms L239P.
Identifiers: ClinVar variation 1000918 (VCV001000918.9), dbSNP rs1949297493, ClinGen allele CA382014733.
Genomic context (GRCh38, chr11:86,952,040, plus strand): 5'-CTGAGAAATATGATGGGGCGCTCAGGGTAGGAAAACCTAGAAGAATCGATCAGGAAGGTC[A>G]GTACTGTGAAGGCAGTGGAGATGAAACACAGGCTGGCCCACACAGCCATCCAGATATCAG-3'
Protein context (NP_036325.2, residues 229-249): LCFISTAFTV[Leu239Pro]TFLIDSSRFS